The following is an entry in ClinVar:

NM_006267.5(RANBP2):c.73A>G (p.Lys25Glu)

Gene: RANBP2 (RAN binding protein 2; plus strand). Cytogenetic location: 2q13.
Variant type: single nucleotide variant.
Coding change: c.73A>G on transcript NM_006267.5 (MANE Select); coding-DNA position 73, A replaced by G.
Protein change: p.Lys25Glu; replaces lysine 25 with glutamic acid.
Molecular consequence: missense variant.
Genome position (GRCh38, 1-based): chr2:108,729,132, A>G. VCF-style: chr2-108729132-A-G. GRCh37 (hg19) VCF-style: chr2-109345588-A-G.
Other names: short protein forms K25E.
Identifiers: ClinVar variation 650442 (VCV000650442.7), dbSNP rs576251747, ClinGen allele CA1821905.

ClinVar aggregate classification (germline): Uncertain significance (1 of 4 stars; one submission).

Conditions:
Familial acute necrotizing encephalopathy (IIAE3). Also called: Susceptibility to Acute Necrotizing Encephalopathy 1; ENCEPHALOPATHY, ACUTE, INFECTION-INDUCED, SUSCEPTIBILITY TO, 3. Identifiers: Orphanet 88619, MedGen C2675556, MONDO:0011953, OMIM 608033.

Allele frequency attached by ClinVar (database versions not stated): gnomAD exomes 0.00001 and 0.00004; ExAC 0.00005; gnomAD 0.00010 and 0.00011; TOPMed 0.00019; 1000 Genomes Project 30x 0.00031; 1000 Genomes Project 0.00040.
gnomAD v4.1: 31 of 1,569,920 alleles (0.002%); highest among the groups gnomAD compares: African/African-American, 0.027%; no homozygotes.

Submission:

Labcorp Genetics (formerly Invitae), Labcorp
Classification: Uncertain significance for Familial acute necrotizing encephalopathy. Last evaluated: 2023-08-17. Review status: criteria provided, single submitter. Criteria: Invitae Variant Classification Sherloc (09022015). Collection method: clinical testing. Allele origin: germline.
Comment: In summary, the available evidence is currently insufficient to determine the role of this variant in disease. Therefore, it has been classified as a Variant of Uncertain Significance. Algorithms developed to predict the effect of sequence changes on RNA splicing suggest that this variant may disrupt the consensus splice site. An algorithm developed to predict the effect of missense changes on protein structure and function (PolyPhen-2) suggests that this variant is likely to be tolerated. ClinVar contains an entry for this variant (Variation ID: 650442). This variant has not been reported in the literature in individuals affected with RANBP2-related conditions. This variant is present in population databases (rs576251747, gnomAD 0.04%), and has an allele count higher than expected for a pathogenic variant. This sequence change replaces lysine, which is basic and polar, with glutamic acid, which is acidic and polar, at codon 25 of the RANBP2 protein (p.Lys25Glu).